The following is an entry in ClinVar:

NM_001366722.1(GRIP1):c.499C>T (p.Arg167Ter)

Gene: GRIP1 (glutamate receptor interacting protein 1; minus strand). Cytogenetic location: 12q14.3.
Variant type: single nucleotide variant.
Coding change: c.499C>T on transcript NM_001366722.1 (MANE Select); coding-DNA position 499, C replaced by T.
Protein change: p.Arg167Ter; replaces arginine 167 with a stop codon.
Molecular consequence: nonsense.
Genome position (GRCh38, 1-based): chr12:66,529,834, G>A on the plus strand (C>T on the coding strand, the complement: GRIP1 is on the minus strand). VCF-style: chr12-66529834-G-A. GRCh37 (hg19) VCF-style: chr12-66923614-G-A.
Other names: c.499C>T, p.Arg167Ter (NM_001178074.2, NM_001379346.1, NM_021150.4); c.577C>T, p.Arg193Ter (NM_001366723.1, NM_001366724.1, NM_001379345.1 and 2 more transcripts); c.502C>T, p.Arg168Ter (NM_001379349.1, NM_001379351.1, NM_001439322.1 and 1 more transcripts); short protein forms R167*, R168*, R193*.
Identifiers: ClinVar variation 5014941 (VCV005014941.1).
Genomic context (GRCh38, chr12:66,529,834, plus strand): 5'-CTCTGAAAACCTATGGAAATATTTTTTTTAAAGTAGATTTTTCTAACCAACACCTACCTC[G>A]AATTACAAAACCAAAGGTATTGCCTTCTTTATGTAATGTGACCTCCACTGTTCGGAAAAT-3'

ClinVar aggregate classification (germline): Pathogenic (1 of 4 stars; one submission).

Conditions:
Fraser syndrome 3. Identifiers: MedGen C4540040, MONDO:0054739, OMIM 617667.

Submission:

Myriad Genetics, Inc.
Classification: Pathogenic for Fraser syndrome 3. Last evaluated: 2025-09-06. Review status: criteria provided, single submitter. Criteria: Myriad Autosomal Dominant, Autosomal Recessive and X-Linked Classification Criteria (2023). Collection method: clinical testing. Allele origin: unknown.
Comment: NM_021150.3(GRIP1):c.499C>T(R167*) is expected to be pathogenic in the context of Fraser syndrome, GRIP1-related. This variant is predicted to lead to an abnormal or absent protein product due to the creation of a premature termination codon in GRIP1, a gene where loss-of-function variants are known to be pathogenic. Please note: this variant was assessed in the context of healthy population screening.